The following is an entry in ClinVar:

NM_002641.4(PIGA):c.236G>A (p.Gly79Asp)

Gene: PIGA (phosphatidylinositol glycan anchor biosynthesis class A; minus strand). Cytogenetic location: Xp22.2.
Variant type: single nucleotide variant.
Coding change: c.236G>A on transcript NM_002641.4 (MANE Select); coding-DNA position 236, G replaced by A.
Protein change: p.Gly79Asp; replaces glycine 79 with aspartic acid.
Molecular consequence: missense variant. On other transcripts: non-coding transcript variant (1), intron variant (1).
Genome position (GRCh38, 1-based): chrX:15,331,695, C>T on the plus strand (G>A on the coding strand, the complement: PIGA is on the minus strand). VCF-style: chrX-15331695-C-T. GRCh37 (hg19) VCF-style: chrX-15349817-C-T.
Other names: p.Gly79Asp; c.13+3806G>A (NM_020473.3); short protein forms G79D.
Identifiers: ClinVar variation 1517329 (VCV001517329.11), dbSNP rs2147723922, ClinGen allele CA412340947.
Genomic context (GRCh38, chrX:15,331,695, plus strand): 5'-TTGTACATGACTTTCAGAGGCAAGTAATAGACTTTGAGGCCACTGGTGAGGTAACGGATG[C>T]CTTTTCGATTTCCATAAGCATGGGTGACAATTATAACCTTATGCCCTCTTTCAATCAGGC-3'
Protein context (NP_002632.1, residues 69-89): IVTHAYGNRK[Gly79Asp]IRYLTSGLKV

ClinVar aggregate classification (germline): Conflicting classifications of pathogenicity. Review status: criteria provided, conflicting classifications (1 of 4 stars). 2 submissions from 2 submitters: Likely pathogenic (1); Uncertain significance (1). Last evaluated 2023-08-08.

Conditions:
Multiple congenital anomalies-hypotonia-seizures syndrome 2 (MCAHS2). Also called: EPILEPTIC ENCEPHALOPATHY, EARLY INFANTILE, 20; GLYCOSYLPHOSPHATIDYLINOSITOL BIOSYNTHESIS DEFECT 4. Identifiers: Orphanet 300496, MedGen C3275508, MONDO:0010466, OMIM 300868.

Submissions (2):

Labcorp Genetics (formerly Invitae), Labcorp
Classification: Uncertain significance for Multiple congenital anomalies-hypotonia-seizures syndrome 2. Last evaluated: 2023-08-08. Review status: criteria provided, single submitter. Criteria: Invitae Variant Classification Sherloc (09022015). Collection method: clinical testing. Allele origin: germline.
Comment: This sequence change replaces glycine, which is neutral and non-polar, with aspartic acid, which is acidic and polar, at codon 79 of the PIGA protein (p.Gly79Asp). This variant is not present in population databases (gnomAD no frequency). This variant has not been reported in the literature in individuals affected with PIGA-related conditions. ClinVar contains an entry for this variant (Variation ID: 1517329). Advanced modeling of protein sequence and biophysical properties (such as structural, functional, and spatial information, amino acid conservation, physicochemical variation, residue mobility, and thermodynamic stability) performed at Invitae indicates that this missense variant is expected to disrupt PIGA protein function. In summary, the available evidence is currently insufficient to determine the role of this variant in disease. Therefore, it has been classified as a Variant of Uncertain Significance.

Mayo Clinic Laboratories, Mayo Clinic
Classification: Likely pathogenic. Last evaluated: 2021-06-16. Review status: criteria provided, single submitter. Criteria: ACMG Guidelines, 2015. Collection method: clinical testing. Allele origin: germline.
Comment: PM2, PM1, PM5